The following is an entry in ClinVar:

ClinVar aggregate classification (germline): Likely pathogenic (1 of 4 stars; one submission).

Conditions:
Neurofibromatosis, type 2 (SWNV). Also called: SCHWANNOMATOSIS, VESTIBULAR; BILATERAL ACOUSTIC NEUROFIBROMATOSIS; NF2-Related Schwannomatosis. Identifiers: Orphanet 637, MedGen C0027832, MONDO:0007039, OMIM 101000. Disease mechanism: loss of function.

Submission:

Labcorp Genetics (formerly Invitae), Labcorp
Classification: Likely pathogenic for Neurofibromatosis, type 2. Last evaluated: 2024-07-08. Review status: criteria provided, single submitter. Criteria: Invitae Variant Classification Sherloc (09022015). Collection method: clinical testing. Allele origin: germline.
Comment: This sequence change replaces leucine, which is neutral and non-polar, with histidine, which is basic and polar, at codon 542 of the NF2 protein (p.Leu542His). This variant is not present in population databases (gnomAD no frequency). This missense change has been observed in individuals with neurofibromatosis, type 2 (Invitae). It has also been observed to segregate with disease in related individuals. ClinVar contains an entry for this variant (Variation ID: 2138435). Advanced modeling of protein sequence and biophysical properties (such as structural, functional, and spatial information, amino acid conservation, physicochemical variation, residue mobility, and thermodynamic stability) performed at Invitae indicates that this missense variant is expected to disrupt NF2 protein function with a positive predictive value of 80%. This variant disrupts the p.Leu542 amino acid residue in NF2. Other variant(s) that disrupt this residue have been observed in individuals with NF2-related conditions (Invitae), which suggests that this may be a clinically significant amino acid residue. In summary, the currently available evidence indicates that the variant is pathogenic, but additional data are needed to prove that conclusively. Therefore, this variant has been classified as Likely Pathogenic.

NM_000268.4(NF2):c.1625T>A (p.Leu542His)

Gene: NF2 (NF2, moesin-ezrin-radixin like (MERLIN) tumor suppressor; plus strand). Cytogenetic location: 22q12.2.
Variant type: single nucleotide variant.
Coding change: c.1625T>A on transcript NM_000268.4 (MANE Select); coding-DNA position 1625, T replaced by A.
Protein change: p.Leu542His; replaces leucine 542 with histidine.
Molecular consequence: missense variant. On other transcripts: non-coding transcript variant (1), intron variant (1).
Genome position (GRCh38, 1-based): chr22:29,681,489, T>A. VCF-style: chr22-29681489-T-A. GRCh37 (hg19) VCF-style: chr22-30077478-T-A.
Other names: c.1511T>A, p.Leu504His (NM_001407053.1, NM_001407056.1); c.1502T>A, p.Leu501His (NM_001407054.1, NM_001407058.1, NM_181829.3); c.1499T>A, p.Leu500His (NM_001407055.1, NM_181828.3); c.1490T>A, p.Leu497His (NM_001407057.1, NM_001407059.1); c.1367T>A, p.Leu456His (NM_001407062.1); c.1376T>A, p.Leu459His (NM_001407063.1, NM_181830.3, NM_181831.3); c.1091T>A, p.Leu364His (NM_001407065.1); c.1625T>A, p.Leu542His (NM_001407066.1, NM_016418.5, NM_181825.3 and 1 more transcripts); and 2 more; short protein forms L364H, L456H, L500H, L459H, L465H, L501H, L542H, L497H.
Identifiers: ClinVar variation 2138435 (VCV002138435.4), dbSNP rs2518734591, ClinGen allele CA411150104.